The following is an entry in ClinVar:

ClinVar aggregate classification (germline): Benign/Likely benign. Review status: criteria provided, multiple submitters, no conflicts (2 of 4 stars). 8 submissions from 8 submitters: Benign (2); Likely benign (4). 2 of the submissions do not count toward it. Last evaluated 2026-01-13.

Conditions:
CDK4-related disorder. Also called: CDK4-related condition.
Familial melanoma. Also called: Hereditary melanoma; Hereditary cutaneous melanoma. Identifiers: Orphanet 618, MedGen C1512419, MONDO:0018961.
Hereditary cancer-predisposing syndrome. Also called: Hereditary neoplastic syndrome; Tumor predisposition; Hereditary Cancer Syndrome; Neoplastic Syndromes, Hereditary. Identifiers: Orphanet 140162, MedGen C0027672, MeSH D009386, MONDO:0015356.
Melanoma, cutaneous malignant, susceptibility to, 3. Also called: Cutaneous malignant melanoma 3. Identifiers: Orphanet 618, MedGen C1836892, MONDO:0012183, OMIM 609048.

Allele frequency attached by ClinVar (database versions not stated): gnomAD exomes 0.00002 and 0.00004; ExAC 0.00006; ESP Exome Variant Server 0.00008; gnomAD 0.00012 and 0.00013; 1000 Genomes Project 30x 0.00016; TOPMed 0.00016; 1000 Genomes Project 0.00020.
gnomAD v4.1: 49 of 1,613,588 alleles (0.003%); highest among the groups gnomAD compares: African/African-American, 0.053%; no homozygotes.

Submissions (8):

Labcorp Genetics (formerly Invitae), Labcorp
Classification: Likely benign for Familial melanoma. Last evaluated: 2026-01-13. Review status: criteria provided, single submitter. Criteria: Invitae Variant Classification Sherloc (09022015). Collection method: clinical testing. Allele origin: germline.

Myriad Genetics, Inc.
Classification: Benign for Melanoma, cutaneous malignant, susceptibility to, 3. Last evaluated: 2024-09-27. Review status: criteria provided, single submitter. Criteria: Myriad Autosomal Dominant, Autosomal Recessive and X-Linked Classification Criteria (2023). Collection method: clinical testing. Allele origin: unknown.
Comment: This variant is considered benign. This variant is a silent/synonymous amino acid change and it is not expected to impact splicing.

Quest Diagnostics Nichols Institute San Juan Capistrano
Classification: Benign. Last evaluated: 2022-09-17. Review status: criteria provided, single submitter. Criteria: Quest Diagnostics criteria. Collection method: clinical testing. Allele origin: unknown.

GeneDx
Classification: Likely benign. Last evaluated: 2019-02-26. Review status: criteria provided, single submitter. Criteria: GeneDx Variant Classification Process June 2021. Collection method: clinical testing. Allele origin: germline. Affected: yes.

Women's Health and Genetics/Laboratory Corporation of America, LabCorp
Classification: Likely benign. Last evaluated: 2017-12-11. Review status: criteria provided, single submitter. Criteria: LabCorp Variant Classification Summary - May 2015. Collection method: clinical testing. Allele origin: germline.
Comment: Variant summary: The CDK4 c.834T>C (p.Phe278Phe) variant involves the alteration of a non-conserved nucleotide, resulting in a synonymous change. One in silico tool predicts a damaging outcome for this variant. 5/5 splice prediction tools predict no significant impact on normal splicing. ESE finder predicts that this variant may affect ESE site of SC35 and SRp40. However, these predictions have yet to be confirmed by functional studies. This variant was found in 13/277162 control chromosomes, predominantly observed in the African subpopulation at a frequency of 0.000458 (11/24022). This frequency is about 20 times the estimated maximal expected allele frequency of a pathogenic CDK4 variant (0.00002), suggesting this is likely a benign polymorphism found primarily in the populations of African origin. In addition, multiple clinical diagnostic laboratories/reputable databases classified this variant as likely benign. The variant of interest has not, to our knowledge, been reported in affected individuals via publications and/or reputable databases; nor evaluated for functional impact by in vivo/vitro studies. Taken together, this variant is classified as likely benign.

Ambry Genetics
Classification: Likely benign for Hereditary cancer-predisposing syndrome. Last evaluated: 2015-02-13. Review status: criteria provided, single submitter. Criteria: Ambry Variant Classification Scheme 2023. Collection method: clinical testing. Allele origin: germline.

PreventionGenetics, part of Exact Sciences
Classification: Likely benign for CDK4-related condition. Last evaluated: 2019-09-05. Review status: no assertion criteria provided. Collection method: clinical testing. Allele origin: germline. Not counted in ClinVar's aggregate classification.
Comment: This variant is classified as likely benign based on ACMG/AMP sequence variant interpretation guidelines (Richards et al. 2015 PMID: 25741868, with internal and published modifications).

True Health Diagnostics
Classification: Likely benign for Hereditary cancer-predisposing syndrome. Last evaluated: 2017-10-26. Review status: no assertion criteria provided. Collection method: clinical testing. Allele origin: germline. Not counted in ClinVar's aggregate classification.

Literature cited by the submitters: PubMed 32980694 (cited by Quest Diagnostics Nichols Institute San Juan Capistrano).

NM_000075.4(CDK4):c.834T>C (p.Phe278=)

Genes: TSPAN31 (tetraspanin 31; plus strand), CDK4 (cyclin dependent kinase 4; minus strand). Cytogenetic location: 12q14.1.
Variant type: single nucleotide variant.
Coding change: c.834T>C on transcript NM_000075.4 (MANE Select); coding-DNA position 834, T replaced by C.
Protein change: p.Phe278=; no amino-acid change (phenylalanine 278 retained).
Molecular consequence: synonymous variant. On other transcripts: 3 prime UTR variant (3).
Genome position (GRCh38, 1-based): chr12:57,748,603, A>G on the plus strand (T>C on the coding strand, the complement: CDK4 is on the minus strand). VCF-style: chr12-57748603-A-G. GRCh37 (hg19) VCF-style: chr12-58142386-A-G.
Other names: c.*1313A>G (NM_001330168.2, NM_001330169.2, NM_005981.5).
Identifiers: ClinVar variation 219965 (VCV000219965.24), dbSNP rs115576923, ClinGen allele CA348779.